The following is an entry in ClinVar:

ClinVar aggregate classification (germline): Uncertain significance (1 of 4 stars; one submission).

Allele frequency attached by ClinVar (database versions not stated): TOPMed 0.00001.

Submission:

Labcorp Genetics (formerly Invitae), Labcorp
Classification: Uncertain significance. Last evaluated: 2023-12-07. Review status: criteria provided, single submitter. Criteria: Invitae Variant Classification Sherloc (09022015). Collection method: clinical testing. Allele origin: germline.
Comment: This sequence change replaces glutamic acid, which is acidic and polar, with glutamine, which is neutral and polar, at codon 229 of the BGN protein (p.Glu229Gln). This variant is not present in population databases (gnomAD no frequency). This variant has not been reported in the literature in individuals affected with BGN-related conditions. Advanced modeling of protein sequence and biophysical properties (such as structural, functional, and spatial information, amino acid conservation, physicochemical variation, residue mobility, and thermodynamic stability) performed at Invitae indicates that this missense variant is not expected to disrupt BGN protein function with a negative predictive value of 80%. In summary, the available evidence is currently insufficient to determine the role of this variant in disease. Therefore, it has been classified as a Variant of Uncertain Significance.

NM_001711.6(BGN):c.685G>C (p.Glu229Gln)

Gene: BGN (biglycan; plus strand). Cytogenetic location: Xq28.
Variant type: single nucleotide variant.
Coding change: c.685G>C on transcript NM_001711.6 (MANE Select); coding-DNA position 685, G replaced by C.
Protein change: p.Glu229Gln; replaces glutamic acid 229 with glutamine.
Molecular consequence: missense variant.
Genome position (GRCh38, 1-based): chrX:153,506,838, G>C. VCF-style: chrX-153506838-G-C. GRCh37 (hg19) VCF-style: chrX-152772296-G-C.
Other names: short protein forms E229Q.
Identifiers: ClinVar variation 2871967 (VCV002871967.3), dbSNP rs1811121715, ClinGen allele CA415070969.
Genomic context (GRCh38, chrX:153,506,838, plus strand): 5'-GGCCCCTGCCCTCAGCACCTGCATTCTCCCCTGTGCCCTCTTCTCCTGGCAGACCTCCCT[G>C]AGACCCTGAATGAACTCCACCTAGACCACAACAAAATCCAGGCCATCGAACTGGAGGACC-3'
Protein context (NP_001702.1, residues 219-239): KLTGIPKDLP[Glu229Gln]TLNELHLDHN